The following is an entry in ClinVar:

ClinVar aggregate classification (germline): Pathogenic. Review status: criteria provided, multiple submitters, no conflicts (2 of 4 stars). 4 submissions from 4 submitters: Pathogenic (4). Last evaluated 2025-11-16.

Conditions:
Usher syndrome type 1 (USH1). Also called: RETINITIS PIGMENTOSA AND CONGENITAL DEAFNESS. Identifiers: Orphanet 231169, Orphanet 886, MedGen C1568247, MONDO:0010168, OMIM 276900.
MYO7A-related disorder. Also called: MYO7A-related disorders.
Usher syndrome. Also called: Usher Syndromes; Usher's syndrome. Identifiers: Orphanet 886, MedGen CN469326, MeSH D052245, MONDO:0019501. Disease mechanism: loss of function.

Submissions (4):

Labcorp Genetics (formerly Invitae), Labcorp
Classification: Pathogenic. Last evaluated: 2025-11-16. Review status: criteria provided, single submitter. Criteria: Invitae Variant Classification Sherloc (09022015). Collection method: clinical testing. Allele origin: germline.
Comment: This sequence change creates a premature translational stop signal (p.Tyr333*) in the MYO7A gene. It is expected to result in an absent or disrupted protein product. Loss-of-function variants in MYO7A are known to be pathogenic (PMID: 8900236, 25404053). This variant is not present in population databases (gnomAD no frequency). This premature translational stop signal has been observed in individual(s) with clinical features of Usher syndrome (PMID: 8900236, 26969326, 27344577). ClinVar contains an entry for this variant (Variation ID: 864525). For these reasons, this variant has been classified as Pathogenic.

Women's Health and Genetics/Laboratory Corporation of America, LabCorp
Classification: Pathogenic for Usher syndrome. Last evaluated: 2024-11-19. Review status: criteria provided, single submitter. Criteria: LabCorp Variant Classification Summary - May 2015. Collection method: clinical testing. Allele origin: germline.
Comment: Variant summary: MYO7A c.999T>A (p.Tyr333X) results in a premature termination codon, predicted to cause a truncation of the encoded protein or absence of the protein due to nonsense mediated decay, which are commonly known mechanisms for disease. The variant was absent in 247388 control chromosomes. c.999T>A has been reported in the literature in the homozygous state in at least 2 related individuals affected with autosomal recessive Usher Syndrome type 1b (example, Jacobson_2009). The following publication has been ascertained in the context of this evaluation (PMID: 19074810). ClinVar contains an entry for this variant (Variation ID: 864525). Based on the evidence outlined above, the variant was classified as pathogenic.

Myriad Genetics, Inc.
Classification: Pathogenic for Usher syndrome type 1. Last evaluated: 2024-05-08. Review status: criteria provided, single submitter. Criteria: Myriad Autosomal Dominant, Autosomal Recessive and X-Linked Classification Criteria (2023). Collection method: clinical testing. Allele origin: unknown.
Comment: NM_000260.3(MYO7A):c.999T>A(Y333*) is expected to be pathogenic in the context of MYO7A-related disorders. This variant is predicted to lead to an abnormal or absent protein product due to the creation of a premature termination codon in MYO7A, a gene where loss-of-function variants are known to be pathogenic. Please note: this variant was assessed in the context of healthy population screening.

Blueprint Genetics
Classification: Pathogenic for MYO7A-related disorders. Last evaluated: 2022-12-20. Review status: criteria provided, single submitter. Criteria: ACMG Guidelines, 2015. Collection method: clinical testing. Allele origin: germline. Affected: yes. Observed: 1 variant allele.

Literature cited by the submitters: PubMed 8900236 (cited by Labcorp Genetics (formerly Invitae), Labcorp); PubMed 25404053 (cited by Labcorp Genetics (formerly Invitae), Labcorp); PubMed 26969326 (cited by Labcorp Genetics (formerly Invitae), Labcorp); PubMed 27344577 (cited by Labcorp Genetics (formerly Invitae), Labcorp); PubMed 19074810 (cited by Women's Health and Genetics/Laboratory Corporation of America, LabCorp).

NM_000260.4(MYO7A):c.999T>A (p.Tyr333Ter)

Gene: MYO7A (myosin VIIA; plus strand). Cytogenetic location: 11q13.5.
Variant type: single nucleotide variant.
Coding change: c.999T>A on transcript NM_000260.4 (MANE Select); coding-DNA position 999, T replaced by A.
Protein change: p.Tyr333Ter; replaces tyrosine 333 with a stop codon.
Molecular consequence: nonsense.
Genome position (GRCh38, 1-based): chr11:77,158,426, T>A. VCF-style: chr11-77158426-T-A. GRCh37 (hg19) VCF-style: chr11-76869472-T-A.
Other names: c.999T>A, p.Tyr333Ter (NM_001127180.2); c.966T>A, p.Tyr322Ter (NM_001369365.1); short protein forms Y322*, Y333*.
Identifiers: ClinVar variation 864525 (VCV000864525.10), dbSNP rs111033285, ClinGen allele CA381933307.